The following is an entry in ClinVar:

ClinVar aggregate classification (germline): Likely benign (0 of 4 stars; one submission).

Conditions:
FOXD1-related disorder. Also called: FOXD1-related condition.

Allele frequency attached by ClinVar (database versions not stated): gnomAD 0.00005; gnomAD exomes 0.00007.
gnomAD v4.1: 89 of 1,216,530 alleles (0.0073%); highest among the groups gnomAD compares: Non-Finnish European, 0.0082%; no homozygotes.

Submission:

PreventionGenetics, part of Exact Sciences
Classification: Likely benign for FOXD1-related condition. Last evaluated: 2020-08-04. Review status: no assertion criteria provided. Collection method: clinical testing. Allele origin: germline.
Comment: This variant is classified as likely benign based on ACMG/AMP sequence variant interpretation guidelines (Richards et al. 2015 PMID: 25741868, with internal and published modifications).

NM_004472.3(FOXD1):c.255C>T (p.Gly85=)

Gene: FOXD1 (forkhead box D1; minus strand). Cytogenetic location: 5q13.2.
Variant type: single nucleotide variant.
Coding change: c.255C>T on transcript NM_004472.3 (MANE Select); coding-DNA position 255, C replaced by T.
Protein change: p.Gly85=; no amino-acid change (glycine 85 retained).
Molecular consequence: synonymous variant.
Genome position (GRCh38, 1-based): chr5:73,448,108, G>A on the plus strand (C>T on the coding strand, the complement: FOXD1 is on the minus strand). VCF-style: chr5-73448108-G-A. GRCh37 (hg19) VCF-style: chr5-72743933-G-A.
Identifiers: ClinVar variation 3045741 (VCV003045741.2), dbSNP rs996611056, ClinGen allele CA121212851.